The following is an entry in ClinVar:

NM_017739.4(POMGNT1):c.3G>A (p.Met1Ile)

Gene: POMGNT1 (protein O-linked mannose N-acetylglucosaminyltransferase 1 (beta 1,2-); minus strand). Cytogenetic location: 1p34.1.
Variant type: single nucleotide variant.
Coding change: c.3G>A on transcript NM_017739.4 (MANE Select); coding-DNA position 3, G replaced by A.
Protein change: p.Met1Ile; changes the start codon (methionine 1).
Molecular consequence: missense variant, initiator codon variant.
Genome position (GRCh38, 1-based): chr1:46,197,819, C>T on the plus strand (G>A on the coding strand, the complement: POMGNT1 is on the minus strand). VCF-style: chr1-46197819-C-T. GRCh37 (hg19) VCF-style: chr1-46663491-C-T.
Other names: c.3G>A, p.Met1Ile (NM_001243766.2, NM_001410783.1); short protein forms M1I.
Identifiers: ClinVar variation 2081702 (VCV002081702.5), dbSNP rs774349262, ClinGen allele CA833900.

ClinVar aggregate classification (germline): Pathogenic (1 of 4 stars; one submission).

Conditions:
Autosomal recessive limb-girdle muscular dystrophy type 2O. Also called: Limb-Girdle Muscular Dystrophy Type 3C; MUSCULAR DYSTROPHY-DYSTROGLYCANOPATHY (LIMB-GIRDLE), TYPE C, 3; MUSCULAR DYSTROPHY-DYSTROGLYCANOPATHY, LIMB-GIRDLE, POMGNT1-RELATED. Identifiers: Orphanet 206564, MedGen C3150417, MONDO:0013161, OMIM 613157.
Muscular dystrophy-dystroglycanopathy (congenital with impaired intellectual development), type B, 3. Also called: Muscular dystrophy-dystroglycanopathy (congenital with intellectual disability), type B3; MUSCULAR DYSTROPHY, CONGENITAL, POMGNT1-RELATED. Identifiers: MedGen C3150412, MONDO:0013155, OMIM 613151.

Allele frequency attached by ClinVar (database versions not stated): ExAC 0.00001.

Submission:

Labcorp Genetics (formerly Invitae), Labcorp
Classification: Pathogenic for Autosomal recessive limb-girdle muscular dystrophy type 2O; Muscular dystrophy-dystroglycanopathy (congenital with impaired intellectual development), type B, 3. Last evaluated: 2022-01-13. Review status: criteria provided, single submitter. Criteria: Invitae Variant Classification Sherloc (09022015). Collection method: clinical testing. Allele origin: germline.
Comment: Algorithms developed to predict the effect of sequence changes on RNA splicing suggest that this variant may create or strengthen a splice site. This variant disrupts a region of the POMGNT1 protein in which other variant(s) (p.Arg129Trp) have been determined to be pathogenic (PMID: 28688748, 30961548, 34324503; Invitae). This suggests that this is a clinically significant region of the protein, and that variants that disrupt it are likely to be disease-causing. Disruption of the initiator codon has been observed in individual(s) with congenital muscular dystrophy (PMID: 28688748). For these reasons, this variant has been classified as Pathogenic. This sequence change affects the initiator methionine of the POMGNT1 mRNA. The next in-frame methionine is located at codon 144. This variant is present in population databases (rs774349262, gnomAD 0.003%).

Literature cited by the submitters: PubMed 28688748; PubMed 30961548; PubMed 34324503.